The following is an entry in ClinVar:

ClinVar aggregate classification (germline): Likely pathogenic (1 of 4 stars; one submission).

Conditions:
Joubert syndrome. Also called: CEREBELLOPARENCHYMAL DISORDER IV; JOUBERT-BOLTSHAUSER SYNDROME; Familial aplasia of the vermis. Identifiers: Orphanet 475, MedGen C5979921, MONDO:0018772.

Allele frequency attached by ClinVar (database versions not stated): TOPMed below 0.00001; gnomAD 0.00001.

Submission:

Labcorp Genetics (formerly Invitae), Labcorp
Classification: Likely pathogenic for Joubert syndrome. Last evaluated: 2023-04-07. Review status: criteria provided, single submitter. Criteria: Invitae Variant Classification Sherloc (09022015). Collection method: clinical testing. Allele origin: germline.
Comment: In summary, the currently available evidence indicates that the variant is pathogenic, but additional data are needed to prove that conclusively. Therefore, this variant has been classified as Likely Pathogenic. Algorithms developed to predict the effect of sequence changes on RNA splicing suggest that this variant may disrupt the consensus splice site. This variant has not been reported in the literature in individuals affected with AHI1-related conditions. This variant is not present in population databases (gnomAD no frequency). This sequence change affects an acceptor splice site in intron 13 of the AHI1 gene. It is expected to disrupt RNA splicing. Variants that disrupt the donor or acceptor splice site typically lead to a loss of protein function (PMID: 16199547), and loss-of-function variants in AHI1 are known to be pathogenic (PMID: 15322546, 16453322, 28442542, 29186038).

Literature cited by the submitters: PubMed 16199547; PubMed 15322546; PubMed 16453322; PubMed 28442542; PubMed 29186038.

NM_001134831.2(AHI1):c.1913-1G>A

Gene: AHI1 (Abelson helper integration site 1; minus strand). Cytogenetic location: 6q23.3.
Variant type: single nucleotide variant.
Coding change: c.1913-1G>A on transcript NM_001134831.2 (MANE Select); the canonical splice acceptor site of the intron before coding-DNA position 1913, G replaced by A.
Molecular consequence: splice acceptor variant.
Genome position (GRCh38, 1-based): chr6:135,438,499, C>T on the plus strand (G>A on the coding strand, the complement: AHI1 is on the minus strand). VCF-style: chr6-135438499-C-T. GRCh37 (hg19) VCF-style: chr6-135759637-C-T.
Other names: c.1913-1G>A (NM_001134830.2, NM_001350503.2, NM_017651.5 and 2 more transcripts).
Identifiers: ClinVar variation 2999355 (VCV002999355.3), dbSNP rs1785757537, ClinGen allele CA365744401.